The following is an entry in ClinVar:

ClinVar aggregate classification (germline): Pathogenic (1 of 4 stars; one submission).

Conditions:
Familial cancer of breast. Also called: Hereditary breast cancer; hereditary breast carcinoma; BREAST CANCER, FAMILIAL. Identifiers: Orphanet 227535, MedGen C0346153, MONDO:0016419, OMIM 114480. Disease mechanism: loss of function.

Submission:

Labcorp Genetics (formerly Invitae), Labcorp
Classification: Pathogenic for Familial cancer of breast. Last evaluated: 2023-04-28. Review status: criteria provided, single submitter. Criteria: Invitae Variant Classification Sherloc (09022015). Collection method: clinical testing. Allele origin: germline.
Comment: For these reasons, this variant has been classified as Pathogenic. This variant disrupts a region of the CHEK2 protein in which other variant(s) (p.Gly167Arg) have been determined to be pathogenic (PMID: 22419737, 34903604, 36468172; Invitae). This suggests that this is a clinically significant region of the protein, and that variants that disrupt it are likely to be disease-causing. Studies have shown that this variant results in skipping of exon 4 and skipping of exons 4-5 and introduces a premature termination codon (Invitae). The resulting mRNA is expected to undergo nonsense-mediated decay. This variant has not been reported in the literature in individuals affected with CHEK2-related conditions. This variant results in the deletion of exon 4 (c.471_592+808del) of the CHEK2 gene. RNA analysis indicates that this variant induces altered splicing and may result in an absent or disrupted protein product.

Literature cited by the submitters: PubMed 22419737; PubMed 34903604; PubMed 36468172.

NC_000022.10:g.(?_29120157)_(29121086_?)del

Gene: CHEK2 (checkpoint kinase 2; minus strand). Cytogenetic location: 22q12.1.
Variant type: Deletion.
Identifiers: ClinVar variation 1517114 (VCV001517114.6).